The following is an entry in ClinVar:

ClinVar aggregate classification (germline): Pathogenic (1 of 4 stars; one submission).

Conditions:
Gorlin syndrome. Also called: Basal cell nevus syndrome; Nevoid Basal Cell Carcinoma Syndrome. Identifiers: Orphanet 377, MedGen C0004779, MONDO:0007187.

Submission:

Labcorp Genetics (formerly Invitae), Labcorp
Classification: Pathogenic for Gorlin syndrome. Last evaluated: 2025-05-27. Review status: criteria provided, single submitter. Criteria: Invitae Variant Classification Sherloc (09022015). Collection method: clinical testing. Allele origin: germline.
Comment: This sequence change creates a premature translational stop signal (p.Gln156*) in the PTCH1 gene. It is expected to result in an absent or disrupted protein product. Loss-of-function variants in PTCH1 are known to be pathogenic (PMID: 16301862, 16419085). This variant is not present in population databases (gnomAD no frequency). This premature translational stop signal has been observed in individual(s) with basal cell nevus syndrome (PMID: 29575684). ClinVar contains an entry for this variant (Variation ID: 1076274). Algorithms developed to predict the effect of sequence changes on RNA splicing suggest that this variant may disrupt the consensus splice site. For these reasons, this variant has been classified as Pathogenic.

Literature cited by the submitters: PubMed 16301862; PubMed 16419085; PubMed 29575684.

NM_000264.5(PTCH1):c.466C>T (p.Gln156Ter)

Gene: PTCH1 (patched 1; minus strand). Cytogenetic location: 9q22.32.
Variant type: single nucleotide variant.
Coding change: c.466C>T on transcript NM_000264.5 (MANE Select); coding-DNA position 466, C replaced by T.
Protein change: p.Gln156Ter; replaces glutamine 156 with a stop codon.
Molecular consequence: nonsense. On other transcripts: non-coding transcript variant (1).
Genome position (GRCh38, 1-based): chr9:95,485,803, G>A on the plus strand (C>T on the coding strand, the complement: PTCH1 is on the minus strand). VCF-style: chr9-95485803-G-A. GRCh37 (hg19) VCF-style: chr9-98248085-G-A.
Other names: c.268C>T, p.Gln90Ter (NM_001083602.3, NM_001354919.2); c.463C>T, p.Gln155Ter (NM_001083603.3); c.13C>T, p.Gln5Ter (NM_001083604.3, NM_001083605.3, NM_001083606.3 and 1 more transcripts); c.466C>T, p.Gln156Ter (NM_001354918.2); short protein forms Q155*, Q156*, Q5*, Q90*.
Identifiers: ClinVar variation 1076274 (VCV001076274.9), dbSNP rs2118546196, ClinGen allele CA374117061.
Genomic context (GRCh38, chr9:95,485,803, plus strand): 5'-GGAGCGCTTCTGTGGTCAGGACATTAGCACCTTCTTCTTTAGGGGTCTGTATCATGAGTT[G>A]AGGATTAAACATAGCCTCTTCTCCAATCTTCTGGCGAGTATAATTTAATTCACGACTTAC-3'